The following is an entry in ClinVar:

NM_153700.2(STRC):c.4742G>A (p.Arg1581Gln)

Gene: STRC (stereocilin; minus strand). Cytogenetic location: 15q15.3.
Variant type: single nucleotide variant.
Coding change: c.4742G>A on transcript NM_153700.2 (MANE Select); coding-DNA position 4742, G replaced by A.
Protein change: p.Arg1581Gln; replaces arginine 1581 with glutamine.
Molecular consequence: missense variant.
Genome position (GRCh38, 1-based): chr15:43,600,974, C>T on the plus strand (G>A on the coding strand, the complement: STRC is on the minus strand). VCF-style: chr15-43600974-C-T. GRCh37 (hg19) VCF-style: chr15-43893172-C-T.
Other names: short protein forms R1581Q.
Identifiers: ClinVar variation 4924492 (VCV004924492.2).

ClinVar aggregate classification (germline): Uncertain significance. Review status: criteria provided, multiple submitters, no conflicts (2 of 4 stars). 2 submissions from 2 submitters: Uncertain significance (2). Last evaluated 2025-02-12.

Conditions:
STRC-related disorder. Also called: STRC-related condition.

gnomAD v4.1: 58 of 1,599,862 alleles (0.0036%); highest among the groups gnomAD compares: South Asian, 0.042%; 3 homozygotes.

Submissions (2):

PreventionGenetics, part of Exact Sciences
Classification: Uncertain significance for STRC-related condition. Last evaluated: 2025-02-12. Review status: criteria provided, single submitter. Criteria: ACMG Guidelines, 2015. Collection method: clinical testing. Allele origin: germline.
Comment: The STRC c.4742G>A variant is predicted to result in the amino acid substitution p.Arg1581Gln. To our knowledge, this variant has not been reported in the literature. This variant is reported in 0.039% of alleles in individuals of South Asian descent in gnomAD. At this time, the clinical significance of this variant is uncertain due to the absence of conclusive functional and genetic evidence.

Blueprint Genetics
Classification: Uncertain significance. Last evaluated: 2023-10-03. Review status: criteria provided, single submitter. Criteria: ACMG Guidelines, 2015. Collection method: clinical testing. Allele origin: germline.